The following is an entry in ClinVar:

ClinVar aggregate classification (germline): Likely benign (1 of 4 stars; one submission).

Conditions:
Legius syndrome. Identifiers: Orphanet 137605, MedGen C1969623, MONDO:0012669, OMIM 611431. Disease mechanism: loss of function.

Allele frequency attached by ClinVar (database versions not stated): gnomAD 0.00420 and 0.00445; 1000 Genomes Project 30x 0.00422; 1000 Genomes Project 0.00439; TOPMed 0.00475.

Submission:

Illumina Laboratory Services, Illumina
Classification: Likely benign for Legius syndrome. Last evaluated: 2018-01-12. Review status: criteria provided, single submitter. Criteria: ICSL Variant Classification Criteria 13 December 2019. Collection method: clinical testing. Allele origin: germline.
Comment: This variant was observed in the ICSL laboratory as part of a predisposition screen in an ostensibly healthy population. It had not been previously curated by ICSL or reported in the Human Gene Mutation Database (HGMD: prior to June 1st, 2018), and was therefore a candidate for classification through an automated scoring system. Utilizing variant allele frequency, disease prevalence and penetrance estimates, and inheritance mode, an automated score was calculated to assess if this variant is too frequent to cause the disease. Based on the score and internal cut-off values, a variant classified as likely benign is not then subjected to further curation. The score for this variant resulted in a classification of likely benign for this disease.

NM_152594.3(SPRED1):c.*1040G>A

Gene: SPRED1 (sprouty related EVH1 domain containing 1; plus strand). Cytogenetic location: 15q14.
Variant type: single nucleotide variant.
Coding change: c.*1040G>A on transcript NM_152594.3 (MANE Select); 1040 bases downstream of the stop codon, G replaced by A.
Molecular consequence: 3 prime UTR variant.
Genome position (GRCh38, 1-based): chr15:38,352,704, G>A. VCF-style: chr15-38352704-G-A. GRCh37 (hg19) VCF-style: chr15-38644905-G-A.
Identifiers: ClinVar variation 315749 (VCV000315749.5), dbSNP rs115568221, ClinGen allele CA10646898.